The following is an entry in ClinVar:

NM_194454.3(KRIT1):c.787dup (p.Ile263fs)

Gene: KRIT1 (KRIT1 ankyrin repeat containing; minus strand). Cytogenetic location: 7q21.2.
Variant type: Duplication.
Coding change: c.787dup on transcript NM_194454.3 (MANE Select); coding-DNA position 787, one base duplicated (A; older notation c.787dupA).
Protein change: p.Ile263fs; shifts the reading frame from isoleucine 263.
Molecular consequence: frameshift variant.
Genome position (GRCh38, 1-based): chr7:92,234,866, T duplicated on the plus strand (A on the coding strand, the reverse complement: KRIT1 is on the minus strand); the first of 5 consecutive T bases (chr7:92,234,866-92,234,870); duplicating any one gives the same sequence. VCF-style (leftmost placement, unchanged base first): chr7-92234865-A-AT. GRCh37 (hg19) VCF-style: chr7-91864179-A-AT.
Other names: c.787dup, p.Ile263fs (NM_001013406.2, NM_001350669.1, NM_001350670.1 and 29 more transcripts); c.73dup, p.Ile25fs (NM_001350671.1); short protein forms I25fs, I263fs.
Identifiers: ClinVar variation 859455 (VCV000859455.8), dbSNP rs1798067945, ClinGen allele CA916082303.

ClinVar aggregate classification (germline): Pathogenic (1 of 4 stars; one submission).

Conditions:
Cerebral cavernous malformation (CCM). Also called: Cerebral cavernous hemangioma (type); CAVERNOUS ANGIOMA, FAMILIAL; CAVERNOUS ANGIOMATOUS MALFORMATIONS; CEREBRAL CAPILLARY MALFORMATIONS; Cavernous Hemangioma of Brain; Cerebral cavernous malformations. Identifiers: Orphanet 221061, MedGen C2919945, MONDO:0000820, OMIM 116860, HP:0033522.

Submission:

Labcorp Genetics (formerly Invitae), Labcorp
Classification: Pathogenic for Cerebral cavernous malformation. Last evaluated: 2019-03-13. Review status: criteria provided, single submitter. Criteria: Invitae Variant Classification Sherloc (09022015). Collection method: clinical testing. Allele origin: germline.
Comment: For these reasons, this variant has been classified as Pathogenic. Loss-of-function variants in KRIT1 are known to be pathogenic (PMID: 10508515, 11222804, 12404106, 24689081). This variant has not been reported in the literature in individuals with KRIT1-related conditions. This variant is not present in population databases (ExAC no frequency). This sequence change creates a premature translational stop signal (p.Ile263Asnfs*5) in the KRIT1 gene. It is expected to result in an absent or disrupted protein product.

Literature cited by the submitters: PubMed 10508515; PubMed 11222804; PubMed 12404106; PubMed 24689081.